The following is an entry in ClinVar:

ClinVar aggregate classification (germline): Uncertain significance (1 of 4 stars; one submission).

Conditions:
Inborn genetic diseases. Identifiers: MedGen C0950123, MeSH D030342.

Submission:

Ambry Genetics
Classification: Uncertain significance for Inborn genetic diseases. Last evaluated: 2024-03-04. Review status: criteria provided, single submitter. Criteria: Ambry Variant Classification Scheme 2023. Collection method: clinical testing. Allele origin: germline.
Comment: The c.2045+5G>A intronic alteration consists of a G to A substitution nucleotides after coding exon 19 in the EFTUD2 gene. Based on insufficient or conflicting evidence, the clinical significance of this alteration remains unclear.

NM_004247.4(EFTUD2):c.2045+5G>A

Gene: EFTUD2 (elongation factor Tu GTP binding domain containing 2; minus strand). Cytogenetic location: 17q21.31.
Variant type: single nucleotide variant.
Coding change: c.2045+5G>A on transcript NM_004247.4 (MANE Select); 5 bases into the intron after coding-DNA position 2045, G replaced by A.
Molecular consequence: intron variant.
Genome position (GRCh38, 1-based): chr17:44,857,070, C>T on the plus strand (G>A on the coding strand, the complement: EFTUD2 is on the minus strand). VCF-style: chr17-44857070-C-T. GRCh37 (hg19) VCF-style: chr17-42934438-C-T.
Other names: c.1940+5G>A (NM_001142605.2); c.2015+5G>A (NM_001258354.2); c.2045+5G>A (NM_001258353.2).
Identifiers: ClinVar variation 3087612 (VCV003087612.1), dbSNP rs2145447805, ClinGen allele CA2733869997.